The following is an entry in ClinVar:

ClinVar aggregate classification (germline): Benign/Likely benign. Review status: criteria provided, multiple submitters, no conflicts (2 of 4 stars). 4 submissions from 4 submitters: Benign (3); Likely benign (1). Last evaluated 2025-12-04.

Conditions:
SLIT2-related disorder. Also called: SLIT2-related condition.

Allele frequency attached by ClinVar (database versions not stated): ESP Exome Variant Server 0.00046; gnomAD 0.00056 and 0.00070; TOPMed 0.00058; gnomAD exomes 0.00090 and 0.00137; 1000 Genomes Project 30x 0.00109; ExAC 0.00139; 1000 Genomes Project 0.00140.
gnomAD v4.1: 1,438 of 1,613,950 alleles (0.089%); highest among the groups gnomAD compares: South Asian, 0.62%; 9 homozygotes.

Submissions (4):

Labcorp Genetics (formerly Invitae), Labcorp
Classification: Benign. Last evaluated: 2025-12-04. Review status: criteria provided, single submitter. Criteria: Invitae Variant Classification Sherloc (09022015). Collection method: clinical testing. Allele origin: germline.

PreventionGenetics, part of Exact Sciences
Classification: Likely benign for SLIT2-related condition. Last evaluated: 2025-04-20. Review status: criteria provided, single submitter. Criteria: ACMG Guidelines, 2015. Collection method: clinical testing. Allele origin: germline.
Comment: This variant is classified as likely benign based on ACMG/AMP sequence variant interpretation guidelines (Richards et al. 2015 PMID: 25741868, with internal and published modifications).

CeGaT Center for Human Genetics Tuebingen
Classification: Benign. Last evaluated: 2022-05-01. Review status: criteria provided, single submitter. Criteria: CeGaT Center For Human Genetics Tuebingen Variant Classification Criteria Version 2. Collection method: clinical testing. Allele origin: germline. Affected: yes. Observed: 1 variant allele.
Comment: SLIT2: BS1, BS2

Breakthrough Genomics
Classification: Benign. Review status: criteria provided, single submitter. Criteria: ACMG Guidelines, 2015. Collection method: not provided. Allele origin: germline. Inheritance: Unknown mechanism. Affected: yes.

NM_004787.4(SLIT2):c.3130C>T (p.Leu1044=)

Gene: SLIT2 (slit guidance ligand 2; plus strand). Cytogenetic location: 4p15.31.
Variant type: single nucleotide variant.
Coding change: c.3130C>T on transcript NM_004787.4 (MANE Select); coding-DNA position 3130, C replaced by T.
Protein change: p.Leu1044=; no amino-acid change (leucine 1044 retained).
Molecular consequence: synonymous variant.
Genome position (GRCh38, 1-based): chr4:20,589,685, C>T. VCF-style: chr4-20589685-C-T. GRCh37 (hg19) VCF-style: chr4-20591308-C-T.
Other names: c.3118C>T, p.Leu1040= (NM_001289135.3); c.3106C>T, p.Leu1036= (NM_001289136.3).
Identifiers: ClinVar variation 715571 (VCV000715571.35), dbSNP rs145314495, ClinGen allele CA2872067.